The following is an entry in ClinVar:

ClinVar aggregate classification (germline): Uncertain significance. Review status: criteria provided, multiple submitters, no conflicts (2 of 4 stars). 3 submissions from 3 submitters: Uncertain significance (2). 1 of the submissions does not count toward it. Last evaluated 2025-03-12.

Conditions:
Retinitis pigmentosa 25 (RP25). Identifiers: Orphanet 791, MedGen C1864446, MONDO:0011272, OMIM 602772.
Inborn genetic diseases. Identifiers: MedGen C0950123, MeSH D030342.

Allele frequency attached by ClinVar (database versions not stated): gnomAD exomes below 0.00001 and 0.00001; gnomAD 0.00001.
gnomAD v4.1: 3 of 1,551,468 alleles (0.00019%); highest among the groups gnomAD compares: Admixed American, 0.0039%; no homozygotes.

Submissions (3):

Labcorp Genetics (formerly Invitae), Labcorp
Classification: Uncertain significance. Last evaluated: 2025-03-12. Review status: criteria provided, single submitter. Criteria: Invitae Variant Classification Sherloc (09022015). Collection method: clinical testing. Allele origin: germline.
Comment: This sequence change replaces phenylalanine, which is neutral and non-polar, with leucine, which is neutral and non-polar, at codon 2959 of the EYS protein (p.Phe2959Leu). This variant is present in population databases (no rsID available, gnomAD 0.008%). This variant has not been reported in the literature in individuals affected with EYS-related conditions. ClinVar contains an entry for this variant (Variation ID: 1400097). Invitae Evidence Modeling of protein sequence and biophysical properties (such as structural, functional, and spatial information, amino acid conservation, physicochemical variation, residue mobility, and thermodynamic stability) indicates that this missense variant is expected to disrupt EYS protein function with a positive predictive value of 80%. In summary, the available evidence is currently insufficient to determine the role of this variant in disease. Therefore, it has been classified as a Variant of Uncertain Significance.

Ambry Genetics
Classification: Uncertain significance for Inborn genetic diseases. Last evaluated: 2022-01-18. Review status: criteria provided, single submitter. Criteria: Ambry Variant Classification Scheme 2023. Collection method: clinical testing. Allele origin: germline.

Natera, Inc.
Classification: Uncertain significance for Retinitis pigmentosa type 25. Last evaluated: 2025-02-24. Review status: no assertion criteria provided. Collection method: clinical testing. Allele origin: germline. Not counted in ClinVar's aggregate classification.

NM_001142800.2(EYS):c.8875T>C (p.Phe2959Leu)

Genes: EYS (EGF-like photoreceptor maintenance factor; minus strand), PHF3 (PHD finger protein 3; plus strand). Cytogenetic location: 6q12.
Variant type: single nucleotide variant.
Coding change: c.8875T>C on transcript NM_001142800.2 (MANE Select); coding-DNA position 8875, T replaced by C.
Protein change: p.Phe2959Leu; replaces phenylalanine 2959 with leucine.
Molecular consequence: missense variant. On other transcripts: 3 prime UTR variant (5).
Genome position (GRCh38, 1-based): chr6:63,721,156, A>G on the plus strand (T>C on the coding strand, the complement: EYS is on the minus strand). VCF-style: chr6-63721156-A-G. GRCh37 (hg19) VCF-style: chr6-64431052-A-G.
Other names: c.*7448A>G (NM_001290259.2, NM_001370348.2, NM_001370349.2 and 2 more transcripts); c.8938T>C, p.Phe2980Leu (NM_001292009.2); short protein forms F2980L, F2959L.
Identifiers: ClinVar variation 1400097 (VCV001400097.11), dbSNP rs1248507329, ClinGen allele CA364383780.